The following is an entry in ClinVar:

NM_006914.4(RORB):c.1004C>T (p.Ser335Phe)

Gene: RORB (RAR related orphan receptor B; plus strand). Cytogenetic location: 9q21.13.
Variant type: single nucleotide variant.
Coding change: c.1004C>T on transcript NM_006914.4 (MANE Select); coding-DNA position 1004, C replaced by T.
Protein change: p.Ser335Phe; replaces serine 335 with phenylalanine.
Molecular consequence: missense variant.
Genome position (GRCh38, 1-based): chr9:74,667,794, C>T. VCF-style: chr9-74667794-C-T. GRCh37 (hg19) VCF-style: chr9-77282710-C-T.
Other names: c.1037C>T, p.Ser346Phe (NM_001365023.1); short protein forms S346F, S335F.
Identifiers: ClinVar variation 1476660 (VCV001476660.8), dbSNP rs2118532764, ClinGen allele CA373771272.
Genomic context (GRCh38, chr9:74,667,794, plus strand): 5'-CTCTTGCCCCATTTCAAGTTCAAGTATTTTTATTCCATTTTTCTTCTTCCTTTATAGGTT[C>T]TGATGACCTAGTGAATGAAGCATTTGACTTTGCAAAGAATTTGTGTTCCTTGCAGCTGAC-3'
Protein context (NP_008845.2, residues 325-345): GGMQMFKALG[Ser335Phe]DDLVNEAFDF

ClinVar aggregate classification (germline): Uncertain significance (1 of 4 stars; one submission).

Allele frequency attached by ClinVar (database versions not stated): gnomAD exomes below 0.00001.
gnomAD v4.1: 1 of 1,599,504 alleles (0.000063%); highest among the groups gnomAD compares: Non-Finnish European, 0.000086%; no homozygotes.

Submission:

Labcorp Genetics (formerly Invitae), Labcorp
Classification: Uncertain significance. Last evaluated: 2023-11-20. Review status: criteria provided, single submitter. Criteria: Invitae Variant Classification Sherloc (09022015). Collection method: clinical testing. Allele origin: germline.
Comment: This sequence change replaces serine, which is neutral and polar, with phenylalanine, which is neutral and non-polar, at codon 335 of the RORB protein (p.Ser335Phe). This variant is not present in population databases (gnomAD no frequency). This variant has not been reported in the literature in individuals affected with RORB-related conditions. ClinVar contains an entry for this variant (Variation ID: 1476660). An algorithm developed to predict the effect of missense changes on protein structure and function (PolyPhen-2) suggests that this variant is likely to be tolerated. In summary, the available evidence is currently insufficient to determine the role of this variant in disease. Therefore, it has been classified as a Variant of Uncertain Significance.